The following is an entry in ClinVar:

ClinVar aggregate classification (germline): Uncertain significance. Review status: criteria provided, multiple submitters, no conflicts (2 of 4 stars). 4 submissions from 4 submitters: Uncertain significance (2). 2 of the submissions do not count toward it. Last evaluated 2024-10-29.

Conditions:
Retinitis pigmentosa 25 (RP25). Identifiers: Orphanet 791, MedGen C1864446, MONDO:0011272, OMIM 602772.
EYS-related disorder. Also called: EYS-related condition.
Inborn genetic diseases. Identifiers: MedGen C0950123, MeSH D030342.

Allele frequency attached by ClinVar (database versions not stated): gnomAD exomes 0.00001; ExAC 0.00004; TOPMed 0.00009; gnomAD 0.00010 and 0.00012.
gnomAD v4.1: 25 of 1,551,666 alleles (0.0016%); highest among the groups gnomAD compares: African/African-American, 0.032%; no homozygotes.

Submissions (4):

Ambry Genetics
Classification: Uncertain significance for Inborn genetic diseases. Last evaluated: 2024-10-29. Review status: criteria provided, single submitter. Criteria: Ambry Variant Classification Scheme 2023. Collection method: clinical testing. Allele origin: germline.

Labcorp Genetics (formerly Invitae), Labcorp
Classification: Uncertain significance. Last evaluated: 2022-03-20. Review status: criteria provided, single submitter. Criteria: Invitae Variant Classification Sherloc (09022015). Collection method: clinical testing. Allele origin: germline.
Comment: This sequence change replaces glycine, which is neutral and non-polar, with serine, which is neutral and polar, at codon 2481 of the EYS protein (p.Gly2481Ser). This variant is present in population databases (rs774918307, gnomAD 0.02%). This variant has not been reported in the literature in individuals affected with EYS-related conditions. ClinVar contains an entry for this variant (Variation ID: 970212). Algorithms developed to predict the effect of missense changes on protein structure and function (SIFT, PolyPhen-2, Align-GVGD) all suggest that this variant is likely to be disruptive. In summary, the available evidence is currently insufficient to determine the role of this variant in disease. Therefore, it has been classified as a Variant of Uncertain Significance.

PreventionGenetics, part of Exact Sciences
Classification: Uncertain significance for EYS-related condition. Last evaluated: 2024-09-16. Review status: no assertion criteria provided. Collection method: clinical testing. Allele origin: germline. Not counted in ClinVar's aggregate classification.
Comment: The EYS c.7441G>A variant is predicted to result in the amino acid substitution p.Gly2481Ser. To our knowledge, this variant has not been reported in the literature. This variant is reported in 0.024% of alleles in individuals of African descent in gnomAD. At this time, the clinical significance of this variant is uncertain due to the absence of conclusive functional and genetic evidence.

Natera, Inc.
Classification: Uncertain significance for Retinitis pigmentosa type 25. Last evaluated: 2020-09-30. Review status: no assertion criteria provided. Collection method: clinical testing. Allele origin: germline. Not counted in ClinVar's aggregate classification.

NM_001142800.2(EYS):c.7441G>A (p.Gly2481Ser)

Gene: EYS (eyes shut homolog; minus strand). Cytogenetic location: 6q12.
Variant type: single nucleotide variant.
Coding change: c.7441G>A on transcript NM_001142800.2 (MANE Select); coding-DNA position 7441, G replaced by A.
Protein change: p.Gly2481Ser; replaces glycine 2481 with serine.
Molecular consequence: missense variant.
Genome position (GRCh38, 1-based): chr6:63,789,195, C>T on the plus strand (G>A on the coding strand, the complement: EYS is on the minus strand). VCF-style: chr6-63789195-C-T. GRCh37 (hg19) VCF-style: chr6-64499088-C-T.
Other names: c.7441G>A, p.Gly2481Ser (NM_001292009.2); short protein forms G2481S.
Identifiers: ClinVar variation 970212 (VCV000970212.6), dbSNP rs774918307, ClinGen allele CA3876810.
Genomic context (GRCh38, chr6:63,789,195, plus strand): 5'-TGATGCTTGCTATGCCAGACCCCAGGTTATAACTATAAACCACACTGCCATTGAGCAGGC[C>T]CACAGCCAGGAAGTCATCGCCATTCAACCCTGGAATGAGAAGACACATGGGGAATGCTCA-3'
Protein context (NP_001136272.1, residues 2471-2491): GLNGDDFLAV[Gly2481Ser]LLNGSVVYSY